The following is an entry in ClinVar:

ClinVar aggregate classification (germline): Uncertain significance (1 of 4 stars; one submission).

Submission:

Dasa
Classification: Uncertain significance. Last evaluated: 2026-03-13. Review status: criteria provided, single submitter. Criteria: DASA Assertion Criteria. Collection method: clinical testing. Allele origin: germline.
Comment: NM_013275.6(ANKRD11):c.7510C>A (p.Leu2504Met) is a missense variant that results in the substitution of leucine with methionine. This variant is absent from population databases. The currently available literature and clinical evidence are not sufficient to establish a definitive association between this variant and the reported condition. Therefore, this variant is classified as a variant of uncertain significance.

NM_013275.6(ANKRD11):c.7510C>A (p.Leu2504Met)

Gene: ANKRD11 (ankyrin repeat domain 11; minus strand). Cytogenetic location: 16q24.3.
Variant type: single nucleotide variant.
Coding change: c.7510C>A on transcript NM_013275.6 (MANE Select); coding-DNA position 7510, C replaced by A.
Protein change: p.Leu2504Met; replaces leucine 2504 with methionine.
Molecular consequence: missense variant.
Genome position (GRCh38, 1-based): chr16:89,275,152, G>T on the plus strand (C>A on the coding strand, the complement: ANKRD11 is on the minus strand). VCF-style: chr16-89275152-G-T. GRCh37 (hg19) VCF-style: chr16-89341560-G-T.
Other names: c.7510C>A, p.Leu2504Met (NM_001256182.2, NM_001256183.2); short protein forms L2504M.
Identifiers: ClinVar variation 4883191 (VCV004883191.2).